The following is an entry in ClinVar:

ClinVar aggregate classification (germline): Uncertain significance. Review status: criteria provided, multiple submitters, no conflicts (2 of 4 stars). 2 submissions from 2 submitters: Uncertain significance (2). Last evaluated 2026-07-01.

Conditions:
Familial focal epilepsy with variable foci (FPEVF). Identifiers: Orphanet 98820, MedGen C1858477, MONDO:0020310.

Allele frequency attached by ClinVar (database versions not stated): gnomAD exomes below 0.00001; TOPMed below 0.00001.
gnomAD v4.1: 2 of 1,610,342 alleles (0.00012%); highest among the groups gnomAD compares: African/African-American, 0.0027%; no homozygotes.

Submissions (2):

CeGaT Center for Human Genetics Tuebingen
Classification: Uncertain significance. Last evaluated: 2026-07-01. Review status: criteria provided, single submitter. Criteria: CeGaT Center For Human Genetics Tuebingen Variant Classification Criteria Version 2. Collection method: clinical testing. Allele origin: germline. Affected: yes. Observed: 2 variant alleles.
Comment: DEPDC5: PM2

Labcorp Genetics (formerly Invitae), Labcorp
Classification: Uncertain significance for Familial focal epilepsy with variable foci. Last evaluated: 2023-09-04. Review status: criteria provided, single submitter. Criteria: Invitae Variant Classification Sherloc (09022015). Collection method: clinical testing. Allele origin: germline.
Comment: In summary, the available evidence is currently insufficient to determine the role of this variant in disease. Therefore, it has been classified as a Variant of Uncertain Significance. Experimental studies and prediction algorithms are not available or were not evaluated, and the functional significance of this variant is currently unknown. This sequence change replaces proline, which is neutral and non-polar, with glutamine, which is neutral and polar, at codon 1086 of the DEPDC5 protein (p.Pro1086Gln). ClinVar contains an entry for this variant (Variation ID: 2070721). This variant has not been reported in the literature in individuals affected with DEPDC5-related conditions. This variant is not present in population databases (gnomAD no frequency).

NM_001242896.3(DEPDC5):c.3257C>A (p.Pro1086Gln)

Gene: DEPDC5 (DEP domain containing 5, GATOR1 subcomplex subunit; plus strand). Cytogenetic location: 22q12.3.
Variant type: single nucleotide variant.
Coding change: c.3257C>A on transcript NM_001242896.3 (MANE Select); coding-DNA position 3257, C replaced by A.
Protein change: p.Pro1086Gln; replaces proline 1086 with glutamine.
Molecular consequence: missense variant. On other transcripts: non-coding transcript variant (5).
Genome position (GRCh38, 1-based): chr22:31,857,546, C>A. VCF-style: chr22-31857546-C-A. GRCh37 (hg19) VCF-style: chr22-32253532-C-A.
Other names: c.3230C>A, p.Pro1077Gln (NM_001136029.4, NM_001369903.1, NM_014662.6); c.3023C>A, p.Pro1008Gln (NM_001242897.2, NM_001363854.2, NM_001364319.2); c.3257C>A, p.Pro1086Gln (NM_001363852.2, NM_001364318.2, NM_001364320.2); c.3173C>A, p.Pro1058Gln (NM_001369901.1, NM_001369902.1); short protein forms P1058Q, P1086Q, P1077Q, P1008Q.
Identifiers: ClinVar variation 2070721 (VCV002070721.5), dbSNP rs2092349927, ClinGen allele CA411293891.
Genomic context (GRCh38, chr22:31,857,546, plus strand): 5'-GCTCCGCCCAGTCAGCCGAGAGCAGCAGCGTTGCCATGACTCCCACCTACATGGACAGCC[C>A]ACGAAAGGTAAAGGAAGCCGCGGTAGCAGGGAGCTGTTCTGTGCTCTCAGAGACTCAGTG-3'
Protein context (NP_001229825.1, residues 1076-1096): VAMTPTYMDS[Pro1086Gln]RKDGAFFMEF